The following is an entry in ClinVar:

ClinVar aggregate classification (germline): Likely benign. Review status: criteria provided, multiple submitters, no conflicts (2 of 4 stars). 2 submissions from 2 submitters: Likely benign (2). Last evaluated 2022-02-17.

Conditions:
Pancreatic cancer, susceptibility to, 1. Identifiers: Orphanet 1333, MedGen C1847351, MONDO:0011739, OMIM 606856.

Allele frequency attached by ClinVar (database versions not stated): TOPMed 0.00003; gnomAD exomes 0.00004; gnomAD 0.00005 and 0.00006; ExAC 0.00007; ESP Exome Variant Server 0.00008.
gnomAD v4.1: 72 of 1,614,136 alleles (0.0045%); highest among the groups gnomAD compares: Middle Eastern, 0.033%; no homozygotes.

Submissions (2):

Ambry Genetics
Classification: Likely benign. Last evaluated: 2022-02-17. Review status: criteria provided, single submitter. Criteria: Ambry Variant Classification Scheme 2023. Collection method: clinical testing. Allele origin: germline.

Illumina Laboratory Services, Illumina
Classification: Likely benign for Pancreatic cancer, susceptibility to, 1. Last evaluated: 2018-01-13. Review status: criteria provided, single submitter. Criteria: ICSL Variant Classification Criteria 13 December 2019. Collection method: clinical testing. Allele origin: germline.
Comment: This variant was observed in the ICSL laboratory as part of a predisposition screen in an ostensibly healthy population. It had not been previously curated by ICSL or reported in the Human Gene Mutation Database (HGMD: prior to June 1st, 2018), and was therefore a candidate for classification through an automated scoring system. Utilizing variant allele frequency, disease prevalence and penetrance estimates, and inheritance mode, an automated score was calculated to assess if this variant is too frequent to cause the disease. Based on the score and internal cut-off values, a variant classified as likely benign is not then subjected to further curation. The score for this variant resulted in a classification of likely benign for this disease.

NM_001166108.2(PALLD):c.366T>G (p.Pro122=)

Gene: PALLD (palladin, cytoskeletal associated protein; plus strand). Cytogenetic location: 4q32.3.
Variant type: single nucleotide variant.
Coding change: c.366T>G on transcript NM_001166108.2 (MANE Select); coding-DNA position 366, T replaced by G.
Protein change: p.Pro122=; no amino-acid change (proline 122 retained).
Molecular consequence: synonymous variant.
Genome position (GRCh38, 1-based): chr4:168,511,870, T>G. VCF-style: chr4-168511870-T-G. GRCh37 (hg19) VCF-style: chr4-169433021-T-G.
Other names: c.366T>G, p.Pro122= (NM_016081.4).
Identifiers: ClinVar variation 348029 (VCV000348029.7), dbSNP rs377747204, ClinGen allele CA3135349.